The following is an entry in ClinVar:

NM_015178.3(RHOBTB2):c.999C>T (p.His333=)

Gene: RHOBTB2 (Rho related BTB domain containing 2; plus strand). Cytogenetic location: 8p21.3.
Variant type: single nucleotide variant.
Coding change: c.999C>T on transcript NM_015178.3 (MANE Select); coding-DNA position 999, C replaced by T.
Protein change: p.His333=; no amino-acid change (histidine 333 retained).
Molecular consequence: synonymous variant.
Genome position (GRCh38, 1-based): chr8:23,007,244, C>T. VCF-style: chr8-23007244-C-T. GRCh37 (hg19) VCF-style: chr8-22864757-C-T.
Other names: c.1065C>T, p.His355= (NM_001160036.2); c.1020C>T, p.His340= (NM_001160037.2); c.999C>T, p.His333= (NM_001374791.1).
Identifiers: ClinVar variation 716960 (VCV000716960.12), dbSNP rs114883013, ClinGen allele CA4672583.

ClinVar aggregate classification (germline): Benign/Likely benign. Review status: criteria provided, multiple submitters, no conflicts (2 of 4 stars). 3 submissions from 3 submitters: Benign (1); Likely benign (1). 1 of the submissions does not count toward it. Last evaluated 2026-01-28.

Conditions:
RHOBTB2-related disorder. Also called: RHOBTB2-related condition.

Allele frequency attached by ClinVar (database versions not stated): gnomAD exomes 0.00048 and 0.00114; ExAC 0.00140; gnomAD 0.00506 and 0.00547; ESP Exome Variant Server 0.00515; TOPMed 0.00546; 1000 Genomes Project 0.00599; 1000 Genomes Project 30x 0.00625.
gnomAD v4.1: 1,496 of 1,611,340 alleles (0.093%); highest among the groups gnomAD compares: African/African-American, 1.8%; 17 homozygotes.

Submissions (3):

Labcorp Genetics (formerly Invitae), Labcorp
Classification: Benign. Last evaluated: 2026-01-28. Review status: criteria provided, single submitter. Criteria: Invitae Variant Classification Sherloc (09022015). Collection method: clinical testing. Allele origin: germline.

Blueprint Genetics
Classification: Likely benign. Last evaluated: 2024-11-12. Review status: criteria provided, single submitter. Criteria: ACMG Guidelines, 2015. Collection method: clinical testing. Allele origin: germline.

PreventionGenetics, part of Exact Sciences
Classification: Benign for RHOBTB2-related condition. Last evaluated: 2019-07-18. Review status: no assertion criteria provided. Collection method: clinical testing. Allele origin: germline. Not counted in ClinVar's aggregate classification.
Comment: This variant is classified as benign based on ACMG/AMP sequence variant interpretation guidelines (Richards et al. 2015 PMID: 25741868, with internal and published modifications).